The following is an entry in ClinVar:

NM_003072.5(SMARCA4):c.2838dup (p.Phe947fs)

Gene: SMARCA4 (SWI/SNF related BAF chromatin remodeling complex subunit ATPase 4; plus strand). Cytogenetic location: 19p13.2.
Variant type: Duplication.
Coding change: c.2838dup on transcript NM_003072.5 (MANE Select); coding-DNA position 2838, one base duplicated (C; older notation c.2838dupC).
Protein change: p.Phe947fs; shifts the reading frame from phenylalanine 947.
Molecular consequence: frameshift variant. On other transcripts: non-coding transcript variant (1).
Genome position (GRCh38, 1-based): chr19:11,021,946, C duplicated; the last of 3 consecutive C bases (chr19:11,021,944-11,021,946); duplicating any one gives the same sequence. VCF-style (leftmost placement, unchanged base first): chr19-11021943-A-AC. GRCh37 (hg19) VCF-style: chr19-11132619-A-AC.
Other names: c.2838dup, p.Phe947fs (NM_001128844.3, NM_001128845.2, NM_001128846.2 and 6 more transcripts); short protein forms F947fs.
Identifiers: ClinVar variation 4549791 (VCV004549791.1).

ClinVar aggregate classification (germline): Pathogenic (1 of 4 stars; one submission).

Conditions:
Hereditary cancer-predisposing syndrome. Also called: Tumor predisposition; Hereditary Cancer Syndrome; Hereditary neoplastic syndrome; Neoplastic Syndromes, Hereditary. Identifiers: Orphanet 140162, MedGen C0027672, MeSH D009386, MONDO:0015356.

Submission:

Ambry Genetics
Classification: Pathogenic for Hereditary cancer-predisposing syndrome. Last evaluated: 2025-12-12. Review status: criteria provided, single submitter. Criteria: Ambry Variant Classification Scheme 2023. Collection method: clinical testing. Allele origin: germline.
Comment: The c.2838dupC pathogenic mutation, located in coding exon 18 of the SMARCA4 gene, results from a duplication of C at nucleotide position 2838, causing a translational frameshift with a predicted alternate stop codon (p.F947Lfs*12). This variant is considered to be rare based on population cohorts in the Genome Aggregation Database (gnomAD). This alteration is expected to result in loss of function by premature protein truncation or nonsense-mediated mRNA decay. Loss-of-function variants in SMARCA4 are known to cause rhabdoid tumor predisposition syndrome including small cell carcinoma of the ovary-hypercalcemic type (SCCOHT); however, such associations with neurodevelopmental disorders are exceedingly rare (Kosho T et al. Am J Med Genet C Semin Med Genet. 2014 Sep;166C(3):262-75; Jelinic P et al. Nat Genet. 2014 May;46(5):424-6). Based on the supporting evidence, this alteration is pathogenic for rhabdoid tumor predisposition syndrome; however, the association of this alteration with Coffin-Siris syndrome is unlikely.